The following is an entry in ClinVar:

ClinVar aggregate classification (germline): Uncertain significance. Review status: criteria provided, multiple submitters, no conflicts (2 of 4 stars). 2 submissions from 2 submitters: Uncertain significance (2). Last evaluated 2024-06-12.

Submissions (2):

Labcorp Genetics (formerly Invitae), Labcorp
Classification: Uncertain significance. Last evaluated: 2024-06-12. Review status: criteria provided, single submitter. Criteria: Invitae Variant Classification Sherloc (09022015). Collection method: clinical testing. Allele origin: germline.
Comment: This variant, c.2251_2256del, results in the deletion of 2 amino acid(s) of the SLC7A14 protein (p.Ser751_Lys752del), but otherwise preserves the integrity of the reading frame. This variant is present in population databases (rs749044373, gnomAD 0.01%). This variant has not been reported in the literature in individuals affected with SLC7A14-related conditions. Experimental studies and prediction algorithms are not available or were not evaluated, and the functional significance of this variant is currently unknown. In summary, the available evidence is currently insufficient to determine the role of this variant in disease. Therefore, it has been classified as a Variant of Uncertain Significance.

Blueprint Genetics
Classification: Uncertain significance. Last evaluated: 2021-10-18. Review status: criteria provided, single submitter. Criteria: ACMG Guidelines, 2015. Collection method: clinical testing. Allele origin: germline.

NM_020949.3(SLC7A14):c.2245AGCAAA[1] (p.749SK[1])

Gene: SLC7A14 (solute carrier family 7 member 14; minus strand). Cytogenetic location: 3q26.2.
Variant type: Microsatellite.
Coding change: c.2245AGCAAA[1] on transcript NM_020949.3 (MANE Select); one copy of the 6-base unit AGCAAA starting at c.2245; the reference has two copies in a row; one copy, 6 bases deleted.
Protein change: p.749SK[1].
Molecular consequence: inframe deletion.
Genome position (GRCh38, 1-based): chr3:170,467,115-170,467,120, TTTGCT deleted on the plus strand (AGCAAA on the coding strand, the reverse complement: SLC7A14 is on the minus strand); deleting any 6 consecutive bases within chr3:170,467,115-170,467,126 gives the same sequence; the position shown is the placement nearest the transcript's 3' end. VCF-style (leftmost placement, unchanged base first): chr3-170467114-GTTTGCT-G. GRCh37 (hg19) VCF-style: chr3-170184902-GTTTGCT-G.
Identifiers: ClinVar variation 1044894 (VCV001044894.9), dbSNP rs749044373, ClinGen allele CA2701469.